The following is an entry in ClinVar:

ClinVar aggregate classification (germline): Uncertain significance (1 of 4 stars; one submission).

Conditions:
Propionic acidemia (PROP). Also called: GLYCINEMIA, KETOTIC; HYPERGLYCINEMIA WITH KETOACIDOSIS AND LEUKOPENIA; KETOTIC HYPERGLYCINEMIA. Identifiers: Orphanet 35, MedGen C0268579, MONDO:0011628, OMIM 606054, HP:0003571.

Allele frequency attached by ClinVar (database versions not stated): gnomAD exomes below 0.00001; TOPMed 0.00001.
gnomAD v4.1: 1 of 1,612,146 alleles (0.000062%); highest among the groups gnomAD compares: Non-Finnish European, 0.000085%; no homozygotes.

Submission:

Labcorp Genetics (formerly Invitae), Labcorp
Classification: Uncertain significance for Propionic acidemia. Last evaluated: 2022-08-21. Review status: criteria provided, single submitter. Criteria: Invitae Variant Classification Sherloc (09022015). Collection method: clinical testing. Allele origin: germline.
Comment: This sequence change replaces leucine, which is neutral and non-polar, with serine, which is neutral and polar, at codon 565 of the PCCA protein (p.Leu565Ser). This variant is not present in population databases (gnomAD no frequency). This variant has not been reported in the literature in individuals affected with PCCA-related conditions. Advanced modeling of protein sequence and biophysical properties (such as structural, functional, and spatial information, amino acid conservation, physicochemical variation, residue mobility, and thermodynamic stability) performed at Invitae indicates that this missense variant is not expected to disrupt PCCA protein function. In summary, the available evidence is currently insufficient to determine the role of this variant in disease. Therefore, it has been classified as a Variant of Uncertain Significance.

NM_000282.4(PCCA):c.1694T>C (p.Leu565Ser)

Gene: PCCA (propionyl-CoA carboxylase subunit alpha; plus strand). Cytogenetic location: 13q32.3.
Variant type: single nucleotide variant.
Coding change: c.1694T>C on transcript NM_000282.4 (MANE Select); coding-DNA position 1694, T replaced by C.
Protein change: p.Leu565Ser; replaces leucine 565 with serine.
Molecular consequence: missense variant. On other transcripts: non-coding transcript variant (2).
Genome position (GRCh38, 1-based): chr13:100,368,522, T>C. VCF-style: chr13-100368522-T-C. GRCh37 (hg19) VCF-style: chr13-101020776-T-C.
Other names: c.1616T>C, p.Leu539Ser (NM_001127692.3, NM_001352607.2); c.1694T>C, p.Leu565Ser (NM_001178004.2, NM_001352605.2, NM_001352609.2); c.1550T>C, p.Leu517Ser (NM_001352606.2); c.1472T>C, p.Leu491Ser (NM_001352608.2); c.749T>C, p.Leu250Ser (NM_001352610.2, NM_001352611.2); c.605T>C, p.Leu202Ser (NM_001352612.2); short protein forms L202S, L565S, L491S, L517S, L539S, L250S.
Identifiers: ClinVar variation 2182734 (VCV002182734.1), dbSNP rs2075364196, ClinGen allele CA388698256.